The following is an entry in ClinVar:

NM_000435.3(NOTCH3):c.719G>T (p.Cys240Phe)

Gene: NOTCH3 (notch receptor 3; minus strand). Cytogenetic location: 19p13.12.
Variant type: single nucleotide variant.
Coding change: c.719G>T on transcript NM_000435.3 (MANE Select); coding-DNA position 719, G replaced by T.
Protein change: p.Cys240Phe; replaces cysteine 240 with phenylalanine.
Molecular consequence: missense variant.
Genome position (GRCh38, 1-based): chr19:15,191,828, C>A on the plus strand (G>T on the coding strand, the complement: NOTCH3 is on the minus strand). VCF-style: chr19-15191828-C-A. GRCh37 (hg19) VCF-style: chr19-15302639-C-A.
Other names: short protein forms C240F.
Identifiers: ClinVar variation 4682148 (VCV004682148.1).

ClinVar aggregate classification (germline): Pathogenic (1 of 4 stars; one submission).

Submission:

Athena Diagnostics
Classification: Pathogenic. Last evaluated: 2025-01-03. Review status: criteria provided, single submitter. Criteria: Athena Diagnostics Criteria. Collection method: clinical testing. Allele origin: unknown.
Comment: This variant alters a critical location within the protein, and is expected to severely affect function and cause disease. This variant has not been reported in large, multi-ethnic general populations. This variant has been identified in at least one individual with clinical features associated with this gene. Greater than 90% of NOTCH3 pathogenic variants associated with CADASIL involve the gain or loss of a cysteine residue within the epidermal growth factor (EGF)-like repeat domain (PMID: 32457593, 20301673).